The following is an entry in ClinVar:

NM_000381.4(MID1):c.411T>C (p.Cys137=)

Gene: MID1 (midline 1; minus strand). Cytogenetic location: Xp22.2.
Variant type: single nucleotide variant.
Coding change: c.411T>C on transcript NM_000381.4 (MANE Select); coding-DNA position 411, T replaced by C.
Protein change: p.Cys137=; no amino-acid change (cysteine 137 retained).
Molecular consequence: synonymous variant.
Genome position (GRCh38, 1-based): chrX:10,567,137, A>G on the plus strand (T>C on the coding strand, the complement: MID1 is on the minus strand). VCF-style: chrX-10567137-A-G. GRCh37 (hg19) VCF-style: chrX-10535177-A-G.
Other names: c.411T>C, p.Cys137= (NM_001098624.2, NM_001193277.1, NM_001193278.1 and 5 more transcripts).
Identifiers: ClinVar variation 2183162 (VCV002183162.5), dbSNP rs768954838, ClinGen allele CA10347698.
Genomic context (GRCh38, chrX:10,567,137, plus strand): 5'-TGTAAAGGGCTTCTTATTCGGGTGAGTGGCTTTCAGGCACTCGTCACAGTAGGATACTTC[A>G]CAAGTGACACAGGTCTTCACAGCGTCCTGGGCAGGATCCTGGTCACAAAACTGGCAGAGG-3'
Protein context (NP_000372.1, residues 127-147): AQDAVKTCVT[Cys137=]EVSYCDECLK

ClinVar aggregate classification (germline): Benign/Likely benign. Review status: criteria provided, multiple submitters, no conflicts (2 of 4 stars). 2 submissions from 2 submitters: Benign (1); Likely benign (1). Last evaluated 2026-08-01.

Allele frequency attached by ClinVar (database versions not stated): TOPMed below 0.00001; gnomAD exomes 0.00002; ExAC 0.00009.
gnomAD v4.1: 21 of 1,211,228 alleles (0.0017%); highest among the groups gnomAD compares: Admixed American, 0.046%; no homozygotes.

Submissions (2):

CeGaT Center for Human Genetics Tuebingen
Classification: Likely benign. Last evaluated: 2026-08-01. Review status: criteria provided, single submitter. Criteria: CeGaT Center For Human Genetics Tuebingen Variant Classification Criteria Version 2. Collection method: clinical testing. Allele origin: germline. Affected: yes. Observed: 1 variant allele.
Comment: MID1: BP4, BP7, BS2

Labcorp Genetics (formerly Invitae), Labcorp
Classification: Benign. Last evaluated: 2025-12-08. Review status: criteria provided, single submitter. Criteria: Invitae Variant Classification Sherloc (09022015). Collection method: clinical testing. Allele origin: germline.